The following is an entry in ClinVar:

ClinVar aggregate classification (germline): Likely pathogenic. Review status: criteria provided, multiple submitters, no conflicts (2 of 4 stars). 4 submissions from 4 submitters: Likely pathogenic (2). 2 of the submissions do not count toward it. Last evaluated 2026-07-24.

Conditions:
IFT27-related disorder. Also called: IFT27-related condition.
Jeune thoracic dystrophy. Also called: Short-rib thoracic dysplasia; Jeune syndrome; Infantile thoracic dystrophy; Thoracic pelvic phalangeal dystrophy; Jeune's syndrome; Chondroectodermal dysplasia-like syndrome. Identifiers: Orphanet 474, MedGen C0265275, MONDO:0018770.

Allele frequency attached by ClinVar (database versions not stated): gnomAD exomes below 0.00001; TOPMed below 0.00001; gnomAD 0.00001.

Submissions (4):

PreventionGenetics, part of Exact Sciences
Classification: Likely pathogenic for IFT27-related condition. Last evaluated: 2026-07-24. Review status: criteria provided, single submitter. Criteria: ACMG Guidelines, 2015. Collection method: clinical testing. Allele origin: germline.
Comment: The IFT27 c.231+1G>A variant is predicted to disrupt the GT donor site and interfere with normal splicing. To our knowledge, this variant has not been reported in the literature or in a large population database (gnomAD), indicating this variant is rare. Variants that disrupt the consensus splice donor site in IFT27 are expected to be pathogenic. This variant is interpreted as likely pathogenic.

Labcorp Genetics (formerly Invitae), Labcorp
Classification: Likely pathogenic. Last evaluated: 2024-03-27. Review status: criteria provided, single submitter. Criteria: Invitae Variant Classification Sherloc (09022015). Collection method: clinical testing. Allele origin: germline.
Comment: This sequence change affects a donor splice site in intron 4 of the IFT27 gene. It is expected to disrupt RNA splicing. Variants that disrupt the donor or acceptor splice site typically lead to a loss of protein function (PMID: 16199547), and loss-of-function variants in IFT27 are known to be pathogenic (PMID: 24488770, 25446516). This variant is not present in population databases (gnomAD no frequency). This variant has not been reported in the literature in individuals affected with IFT27-related conditions. ClinVar contains an entry for this variant (Variation ID: 591265). Algorithms developed to predict the effect of sequence changes on RNA splicing suggest that this variant may disrupt the consensus splice site. In summary, the currently available evidence indicates that the variant is pathogenic, but additional data are needed to prove that conclusively. Therefore, this variant has been classified as Likely Pathogenic.

Gharavi Laboratory, Columbia University
Classification: Uncertain significance. Last evaluated: 2018-09-16. Review status: no assertion criteria provided. Criteria: ACMG Guidelines, 2015. Collection method: research. Allele origin: germline. Affected: yes. Not counted in ClinVar's aggregate classification.

Molecular Genetics laboratory, Necker Hospital
Classification: Pathogenic for Jeune thoracic dystrophy. Review status: no assertion criteria provided. Criteria: Submitter's publication. Collection method: clinical testing. Allele origin: inherited. Affected: yes. Observed: 1 variant allele. Not counted in ClinVar's aggregate classification.

Literature cited by the submitters: PubMed 16199547 (cited by Labcorp Genetics (formerly Invitae), Labcorp); PubMed 24488770 (cited by Labcorp Genetics (formerly Invitae), Labcorp); PubMed 25446516 (cited by Labcorp Genetics (formerly Invitae), Labcorp); DOI 10.1038/gim.2015.30. (cited by Molecular Genetics laboratory, Necker Hospital).

NM_001177701.3(IFT27):c.234+1G>A

Genes: CACNG2-DT (CACNG2 divergent transcript; plus strand), IFT27 (intraflagellar transport 27; minus strand), LOC126863139 (CDK7 strongly-dependent group 2 enhancer GRCh37_chr22:37161913-37163112; plus strand). Cytogenetic location: 22q12.3.
Variant type: single nucleotide variant.
Coding change: c.234+1G>A on transcript NM_001177701.3 (MANE Select); the canonical splice donor site of the intron after coding-DNA position 234, G replaced by A.
Molecular consequence: splice donor variant.
Genome position (GRCh38, 1-based): chr22:36,766,137, C>T on the plus strand (G>A on the coding strand, the complement: IFT27 is on the minus strand). VCF-style: chr22-36766137-C-T. GRCh37 (hg19) VCF-style: chr22-37162181-C-T.
Other names: c.234+1G>A (NM_001363003.2); c.231+1G>A (NM_006860.5, NM_006860.4).
Identifiers: ClinVar variation 591265 (VCV000591265.8), dbSNP rs1159774355, ClinGen allele CA411384230.
Genomic context (GRCh38, chr22:36,766,137, plus strand): 5'-CAGGGGTAAACGTTTTGGCAGGAGGTGGTGACAGTCAGGAAAAAGACCACGTGCTACTTG[C>T]CAATTTATCCAGCATTTCCGAAAACAGCTCCTTGCCAGCAGAGTCAAAAATGAAGAGTTC-3'